The following is an entry in ClinVar:

NM_005450.6(NOG):c.556_560dup (p.Glu188fs)

Gene: NOG (noggin; plus strand). Cytogenetic location: 17q22.
Variant type: Duplication.
Coding change: c.556_560dup on transcript NM_005450.6 (MANE Select); coding-DNA positions 556 to 560, 5 bases duplicated (GTGCC; older notation c.556_560dupGTGCC).
Protein change: p.Glu188fs; shifts the reading frame from glutamic acid 188.
Molecular consequence: frameshift variant.
Genome position (GRCh38, 1-based): chr17:56,594,779-56,594,783, GTGCC duplicated; duplicating any 5 consecutive bases within chr17:56,594,777-56,594,783 gives the same sequence; the c. name uses the placement nearest the transcript's 3' end. VCF-style (leftmost placement, unchanged base first): chr17-56594776-T-TCCGTG. GRCh37 (hg19) VCF-style: chr17-54672137-T-TCCGTG.
Other names: short protein forms E188fs.
Identifiers: ClinVar variation 2633372 (VCV002633372.1), dbSNP rs2545137863, ClinGen allele CA2695200286.

ClinVar aggregate classification (germline): Likely pathogenic (1 of 4 stars; one submission).

Conditions:
NOG-related disorder. Also called: NOG-related condition; NOG-related disorders.

Submission:

PreventionGenetics, part of Exact Sciences
Classification: Likely pathogenic for NOG-related condition. Last evaluated: 2023-03-27. Review status: criteria provided, single submitter. Criteria: ACMG Guidelines, 2015. Collection method: clinical testing. Allele origin: germline.
Comment: The NOG c.556_560dup5 variant is predicted to result in a frameshift and premature protein termination (p.Glu188Cysfs*78). To our knowledge, this variant has not been reported in the literature or in a large population database, indicating this variant is rare. Frameshift variants in NOG are expected to be pathogenic. This variant is interpreted as likely pathogenic.